The following is an entry in ClinVar:

NM_178452.6(DNAAF1):c.2083G>A (p.Ala695Thr)

Gene: DNAAF1 (dynein axonemal assembly factor 1; plus strand). Cytogenetic location: 16q24.1.
Variant type: single nucleotide variant.
Coding change: c.2083G>A on transcript NM_178452.6 (MANE Select); coding-DNA position 2083, G replaced by A.
Protein change: p.Ala695Thr; replaces alanine 695 with threonine.
Molecular consequence: missense variant.
Genome position (GRCh38, 1-based): chr16:84,177,746, G>A. VCF-style: chr16-84177746-G-A. GRCh37 (hg19) VCF-style: chr16-84211352-G-A.
Other names: c.1375G>A, p.Ala459Thr (NM_001318756.1); c.2083G>A (NM_178452.4); short protein forms A459T, A695T.
Identifiers: ClinVar variation 1018543 (VCV001018543.9), dbSNP rs775618173, ClinGen allele CA8203161.

ClinVar aggregate classification (germline): Conflicting classifications of pathogenicity. Review status: criteria provided, conflicting classifications (1 of 4 stars). 2 submissions from 2 submitters: Uncertain significance (1); Likely benign (1). Last evaluated 2024-12-24.

Conditions:
Primary ciliary dyskinesia. Also called: Ciliary dyskinesia. Identifiers: Orphanet 244, MedGen C0008780, MONDO:0016575, HP:0012265.

Allele frequency attached by ClinVar (database versions not stated): ExAC 0.00001; gnomAD 0.00001; gnomAD exomes 0.00001; TOPMed 0.00003.
gnomAD v4.1: 20 of 1,613,710 alleles (0.0012%); highest among the groups gnomAD compares: Admixed American, 0.0017%; no homozygotes.

Submissions (2):

Ambry Genetics
Classification: Likely benign for Primary ciliary dyskinesia. Last evaluated: 2024-12-24. Review status: criteria provided, single submitter. Criteria: Ambry Variant Classification Scheme 2023. Collection method: clinical testing. Allele origin: germline.

Labcorp Genetics (formerly Invitae), Labcorp
Classification: Uncertain significance for Primary ciliary dyskinesia. Last evaluated: 2016-03-27. Review status: criteria provided, single submitter. Criteria: Invitae Variant Classification Sherloc (09022015). Collection method: clinical testing. Allele origin: germline.
Comment: This variant is present in population databases (rs775618173, ExAC 0.002%) but has not been reported in the literature in individuals with a DNAAF1-related disease. Algorithms developed to predict the effect of missense changes on protein structure and function (SIFT, PolyPhen-2, Align-GVGD) all suggest that this variant is likely to be tolerated, but these predictions have not been confirmed by published functional studies. In summary, this variant is a rare missense change that is not predicted to affect protein function. There is no indication that it causes disease, but the available evidence is currently insufficient to prove that conclusively. Therefore, it has been classified as a Variant of Uncertain Significance. This sequence change replaces alanine with threonine at codon 695 of the DNAAF1 protein (p.Ala695Thr). The alanine residue is weakly conserved and there is a small physicochemical difference between alanine and threonine.